The following is an entry in ClinVar:

NM_001940.4(ATN1):c.3177_3178insAACCTG (p.Ser1059_His1060insAsnLeu)

Gene: ATN1 (atrophin 1; plus strand). Cytogenetic location: 12p13.31.
Variant type: Insertion.
Coding change: c.3177_3178insAACCTG on transcript NM_001940.4 (MANE Select); coding-DNA positions 3177 to 3178, AACCTG inserted.
Protein change: p.Ser1059_His1060insAsnLeu.
Molecular consequence: inframe insertion.
Genome position: GRCh38 VCF-style: chr12-6939139-C-CGAACCT. GRCh37 (hg19) VCF-style: chr12-7048302-C-CGAACCT.
Other names: c.3177_3178insAACCTG, p.Ser1059_His1060insAsnLeu (NM_001007026.2).
Identifiers: ClinVar variation 421998 (VCV000421998.2), dbSNP rs1064795494, ClinGen allele CA16619586.

ClinVar aggregate classification (germline): Uncertain significance. Review status: criteria provided, single submitter (1 of 4 stars). 2 submissions from 2 submitters: Uncertain significance (1). 1 of the submissions does not count toward it. Last evaluated 2016-08-18.

Conditions:
Congenital hypotonia, epilepsy, developmental delay, and digital anomalies (CHEDDA). Also called: ATN1-Related Neurodevelopmental Disorder. Identifiers: MedGen C5193125, MONDO:0032781, OMIM 618494.

Submissions (2):

GeneDx
Classification: Uncertain significance. Last evaluated: 2016-08-18. Review status: criteria provided, single submitter. Criteria: GeneDx Variant Classification (06012015). Collection method: clinical testing. Allele origin: germline. Affected: yes.
Comment: The c.3177_3178insAACCTG variant in the ATN1 gene has not been reported previously as apathogenic variant, nor as a benign variant, to our knowledge. The c.3177_3178insAACCTG variant was not observed inapproximately 6500 individuals of European and African American ancestry in the NHLBI ExomeSequencing Project, indicating it is not a common benign variant in these populations. We interpretc.3177_3178insAACCTG as a variant of uncertain significance.

OMIM
Classification: Pathogenic for CONGENITAL HYPOTONIA, EPILEPSY, DEVELOPMENTAL DELAY, AND DIGITAL ANOMALIES. Last evaluated: 2019-07-12. Review status: no assertion criteria provided. Collection method: literature only. Allele origin: germline. Not counted in ClinVar's aggregate classification.

Literature cited by the submitters: PubMed 30827498 (cited by OMIM).